The following is an entry in ClinVar:

NM_016580.4(PCDH12):c.1235T>C (p.Leu412Ser)

Genes: PCDH12 (protocadherin 12; minus strand), RNF14 (ring finger protein 14; plus strand). Cytogenetic location: 5q31.3.
Variant type: single nucleotide variant.
Coding change: c.1235T>C on transcript NM_016580.4 (MANE Select); coding-DNA position 1235, T replaced by C.
Protein change: p.Leu412Ser; replaces leucine 412 with serine.
Molecular consequence: missense variant.
Genome position (GRCh38, 1-based): chr5:141,956,617, A>G on the plus strand (T>C on the coding strand, the complement: PCDH12 is on the minus strand). VCF-style: chr5-141956617-A-G. GRCh37 (hg19) VCF-style: chr5-141336182-A-G.
Other names: short protein forms L412S.
Identifiers: ClinVar variation 2443508 (VCV002443508.3), dbSNP rs148436079, ClinGen allele CA128480548.

ClinVar aggregate classification (germline): Likely pathogenic (1 of 4 stars; one submission).

Allele frequency attached by ClinVar (database versions not stated): ESP Exome Variant Server 0.00008; gnomAD exomes below 0.00001.
gnomAD v4.1: 1 of 1,614,212 alleles (0.000062%); highest among the groups gnomAD compares: Non-Finnish European, 0.000085%; no homozygotes.

Submission:

GeneDx
Classification: Likely pathogenic. Last evaluated: 2026-09-21. Review status: criteria provided, single submitter. Criteria: GeneDx Variant Classification Process June 2021. Collection method: clinical testing. Allele origin: germline.
Comment: Not observed at significant frequency in large population cohorts (gnomAD); In silico analysis supports that this missense variant has a deleterious effect on protein structure/function; Has not been previously published as pathogenic or benign to our knowledge